The following is an entry in ClinVar:

ClinVar aggregate classification (germline): Benign/Likely benign. Review status: criteria provided, multiple submitters, no conflicts (2 of 4 stars). 3 submissions from 3 submitters: Benign (1); Likely benign (2). Last evaluated 2026-06-16.

Conditions:
Polyps, multiple and recurrent inflammatory fibroid, gastrointestinal. Identifiers: MedGen C5193005, MONDO:0008285, OMIM 175510.
Hereditary cancer-predisposing syndrome. Also called: Hereditary neoplastic syndrome; Neoplastic Syndromes, Hereditary; Hereditary Cancer Syndrome; Tumor predisposition. Identifiers: Orphanet 140162, MedGen C0027672, MeSH D009386, MONDO:0015356.
Gastrointestinal stromal tumor. Also called: Gastrointestinal stromal tumor, somatic; Gastrointestinal stroma tumor. Identifiers: Orphanet 44890, MedGen C0238198, MeSH D046152, MONDO:0011719, OMIM 606764, HP:0100723.

Allele frequency attached by ClinVar (database versions not stated): gnomAD exomes below 0.00001 and 0.00001; ExAC 0.00002; TOPMed 0.00003; gnomAD 0.00005; ESP Exome Variant Server 0.00008.
gnomAD v4.1: 9 of 1,613,814 alleles (0.00056%); highest among the groups gnomAD compares: African/African-American, 0.012%; no homozygotes.

Submissions (3):

Myriad Genetics, Inc.
Classification: Benign for Polyps, multiple and recurrent inflammatory fibroid, gastrointestinal. Last evaluated: 2026-06-16. Review status: criteria provided, single submitter. Criteria: Myriad Autosomal Dominant, Autosomal Recessive and X-Linked Classification Criteria (2023). Collection method: clinical testing. Allele origin: unknown.
Comment: This variant is considered benign. This variant is a silent/synonymous amino acid change and it is not expected to impact splicing.

Labcorp Genetics (formerly Invitae), Labcorp
Classification: Likely benign for Gastrointestinal stromal tumor. Last evaluated: 2025-08-26. Review status: criteria provided, single submitter. Criteria: Invitae Variant Classification Sherloc (09022015). Collection method: clinical testing. Allele origin: germline.

Ambry Genetics
Classification: Likely benign for Hereditary cancer-predisposing syndrome. Last evaluated: 2022-02-26. Review status: criteria provided, single submitter. Criteria: Ambry Variant Classification Scheme 2023. Collection method: clinical testing. Allele origin: germline.

NM_006206.6(PDGFRA):c.615T>A (p.Val205=)

Gene: PDGFRA (platelet derived growth factor receptor alpha; plus strand). Cytogenetic location: 4q12.
Variant type: single nucleotide variant.
Coding change: c.615T>A on transcript NM_006206.6 (MANE Select); coding-DNA position 615, T replaced by A.
Protein change: p.Val205=; no amino-acid change (valine 205 retained).
Molecular consequence: synonymous variant.
Genome position (GRCh38, 1-based): chr4:54,263,914, T>A. VCF-style: chr4-54263914-T-A. GRCh37 (hg19) VCF-style: chr4-55130081-T-A.
Other names: c.615T>A, p.Val205= (NM_001347827.2, NM_001347829.2); c.690T>A, p.Val230= (NM_001347828.2); c.654T>A, p.Val218= (NM_001347830.2).
Identifiers: ClinVar variation 528663 (VCV000528663.15), dbSNP rs377039486, ClinGen allele CA2922320.
Genomic context (GRCh38, chr4:54,263,914, plus strand): 5'-GCCCTATATCTGTGAGGCCACCGTCAAAGGAAAGAAGTTCCAGACCATCCCATTTAATGT[T>A]TATGCTTTAAAAGGTACTTGTATCATCTCCTTCCTTCTTTAAATAAGAGTAACAGGCAAA-3'
Protein context (NP_006197.1, residues 195-215): GKKFQTIPFN[Val205=]YALKATSELD